The following is an entry in ClinVar:

NM_032608.7(MYO18B):c.3475A>G (p.Met1159Val)

Gene: MYO18B (myosin XVIIIB; plus strand). Cytogenetic location: 22q12.1.
Variant type: single nucleotide variant.
Coding change: c.3475A>G on transcript NM_032608.7 (MANE Select); coding-DNA position 3475, A replaced by G.
Protein change: p.Met1159Val; replaces methionine 1159 with valine.
Molecular consequence: missense variant.
Genome position (GRCh38, 1-based): chr22:25,846,206, A>G. VCF-style: chr22-25846206-A-G. GRCh37 (hg19) VCF-style: chr22-26242173-A-G.
Other names: c.3478A>G, p.Met1160Val (NM_001318245.2); short protein forms M1159V, M1160V.
Identifiers: ClinVar variation 2883565 (VCV002883565.3), dbSNP rs1036719054, ClinGen allele CA322774312.

ClinVar aggregate classification (germline): Uncertain significance (1 of 4 stars; one submission).

Allele frequency attached by ClinVar (database versions not stated): gnomAD exomes below 0.00001; gnomAD 0.00003; TOPMed 0.00004.

Submission:

Labcorp Genetics (formerly Invitae), Labcorp
Classification: Uncertain significance. Last evaluated: 2023-10-23. Review status: criteria provided, single submitter. Criteria: Invitae Variant Classification Sherloc (09022015). Collection method: clinical testing. Allele origin: germline.
Comment: This sequence change replaces methionine, which is neutral and non-polar, with valine, which is neutral and non-polar, at codon 1159 of the MYO18B protein (p.Met1159Val). This variant is present in population databases (no rsID available, gnomAD 0.03%). This variant has not been reported in the literature in individuals affected with MYO18B-related conditions. Algorithms developed to predict the effect of missense changes on protein structure and function output the following: SIFT: "Not Available"; PolyPhen-2: "Benign"; Align-GVGD: "Not Available". The valine amino acid residue is found in multiple mammalian species, which suggests that this missense change does not adversely affect protein function. In summary, the available evidence is currently insufficient to determine the role of this variant in disease. Therefore, it has been classified as a Variant of Uncertain Significance.